The following is an entry in ClinVar:

NM_022047.4(DEF6):c.178G>A (p.Asp60Asn)

Gene: DEF6 (DEF6 guanine nucleotide exchange factor; plus strand). Cytogenetic location: 6p21.31.
Variant type: single nucleotide variant.
Coding change: c.178G>A on transcript NM_022047.4 (MANE Select); coding-DNA position 178, G replaced by A.
Protein change: p.Asp60Asn; replaces aspartic acid 60 with asparagine.
Molecular consequence: missense variant.
Genome position (GRCh38, 1-based): chr6:35,309,751, G>A. VCF-style: chr6-35309751-G-A. GRCh37 (hg19) VCF-style: chr6-35277528-G-A.
Other names: short protein forms D60N.
Identifiers: ClinVar variation 3620923 (VCV003620923.1).

ClinVar aggregate classification (germline): Uncertain significance (1 of 4 stars; one submission).

gnomAD v4.1: 16 of 1,613,976 alleles (0.00099%); highest among the groups gnomAD compares: Non-Finnish European, 0.0013%; no homozygotes.

Submission:

Labcorp Genetics (formerly Invitae), Labcorp
Classification: Uncertain significance. Last evaluated: 2024-08-28. Review status: criteria provided, single submitter. Criteria: Invitae Variant Classification Sherloc (09022015). Collection method: clinical testing. Allele origin: germline.
Comment: This sequence change replaces aspartic acid, which is acidic and polar, with asparagine, which is neutral and polar, at codon 60 of the DEF6 protein (p.Asp60Asn). This variant is present in population databases (rs750051088, gnomAD 0.002%). This variant has not been reported in the literature in individuals affected with DEF6-related conditions. An algorithm developed to predict the effect of missense changes on protein structure and function (PolyPhen-2) suggests that this variant¬†is likely to be tolerated. In summary, the available evidence is currently insufficient to determine the role of this variant in disease. Therefore, it has been classified as a Variant of Uncertain Significance.